The following is an entry in ClinVar:

ClinVar aggregate classification (germline): Likely benign. Review status: criteria provided, multiple submitters, no conflicts (2 of 4 stars). 5 submissions from 4 submitters: Likely benign (4). 1 of the submissions does not count toward it. Last evaluated 2025-07-20.

Conditions:
ATR-related disorder. Also called: ATR-related condition.
Familial cutaneous telangiectasia and oropharyngeal predisposition cancer syndrome. Identifiers: Orphanet 313846, MedGen C3281203, MONDO:0013806, OMIM 614564.
Inborn genetic diseases. Identifiers: MedGen C0950123, MeSH D030342.
Seckel syndrome 1 (SCKL1). Also called: MICROCEPHALIC PRIMORDIAL DWARFISM I. Identifiers: Orphanet 808, MedGen C4551474, MONDO:0008869, OMIM 210600.

Allele frequency attached by ClinVar (database versions not stated): ExAC 0.00001; gnomAD exomes 0.00001 and 0.00002; TOPMed 0.00002; gnomAD 0.00003 and 0.00005; ESP Exome Variant Server 0.00008.
gnomAD v4.1: 32 of 1,613,846 alleles (0.002%); highest among the groups gnomAD compares: Middle Eastern, 0.12%; no homozygotes.

Submissions (5):

Labcorp Genetics (formerly Invitae), Labcorp
Classification: Likely benign. Last evaluated: 2025-07-20. Review status: criteria provided, single submitter. Criteria: Invitae Variant Classification Sherloc (09022015). Collection method: clinical testing. Allele origin: germline.

Genome-Nilou Lab
Classification: Likely benign for Seckel syndrome 1. Last evaluated: 2023-02-08. Review status: criteria provided, single submitter. Criteria: ACMG Guidelines, 2015. Collection method: clinical testing. Allele origin: germline.

Genome-Nilou Lab
Classification: Likely benign for Familial cutaneous telangiectasia and oropharyngeal predisposition cancer syndrome. Last evaluated: 2023-02-08. Review status: criteria provided, single submitter. Criteria: ACMG Guidelines, 2015. Collection method: clinical testing. Allele origin: germline.

Ambry Genetics
Classification: Likely benign for Inborn genetic diseases. Last evaluated: 2022-03-06. Review status: criteria provided, single submitter. Criteria: Ambry Variant Classification Scheme 2023. Collection method: clinical testing. Allele origin: germline.

PreventionGenetics, part of Exact Sciences
Classification: Likely benign for ATR-related condition. Last evaluated: 2019-02-19. Review status: no assertion criteria provided. Collection method: clinical testing. Allele origin: germline. Not counted in ClinVar's aggregate classification.
Comment: This variant is classified as likely benign based on ACMG/AMP sequence variant interpretation guidelines (Richards et al. 2015 PMID: 25741868, with internal and published modifications).

NM_001184.4(ATR):c.6459C>T (p.His2153=)

Gene: ATR (ATR checkpoint kinase; minus strand). Cytogenetic location: 3q23.
Variant type: single nucleotide variant.
Coding change: c.6459C>T on transcript NM_001184.4 (MANE Select); coding-DNA position 6459, C replaced by T.
Protein change: p.His2153=; no amino-acid change (histidine 2153 retained).
Molecular consequence: synonymous variant.
Genome position (GRCh38, 1-based): chr3:142,469,430, G>A on the plus strand (C>T on the coding strand, the complement: ATR is on the minus strand). VCF-style: chr3-142469430-G-A. GRCh37 (hg19) VCF-style: chr3-142188272-G-A.
Other names: c.6267C>T, p.His2089= (NM_001354579.2).
Identifiers: ClinVar variation 1097609 (VCV001097609.13), dbSNP rs374110291, ClinGen allele CA2649334.
Genomic context (GRCh38, chr3:142,469,430, plus strand): 5'-TTGAGGATAGGCTAGAAATACTTTGGCTATTATTTCCATCAAGACAACAAAAACTTCATC[G>A]TGAGAATGACAAATTCGAGAGATCAATTGTGAAAAAGCAGTCAAAAATTGATATGGAGCT-3'
Protein context (NP_001175.2, residues 2143-2163): SQLISRICHS[His2153=]DEVFVVLMEI